The following is an entry in ClinVar:

ClinVar aggregate classification (germline): Uncertain significance (1 of 4 stars; one submission).

Conditions:
Hyperammonemic encephalopathy due to carbonic anhydrase VA deficiency. Also called: Carbonic Anhydrase VA Deficiency; Carbonic anhydrase VA deficiency, hyperammonemia due to. Identifiers: Orphanet 401948, MedGen C4706871, MONDO:0014332, OMIM 615751.

Allele frequency attached by ClinVar (database versions not stated): TOPMed 0.00001.

Submission:

Labcorp Genetics (formerly Invitae), Labcorp
Classification: Uncertain significance for Hyperammonemic encephalopathy due to carbonic anhydrase VA deficiency. Last evaluated: 2020-08-21. Review status: criteria provided, single submitter. Criteria: Invitae Variant Classification Sherloc (09022015). Collection method: clinical testing. Allele origin: germline.
Comment: In summary, the available evidence is currently insufficient to determine the role of this variant in disease. Therefore, it has been classified as a Variant of Uncertain Significance. Algorithms developed to predict the effect of missense changes on protein structure and function are either unavailable or do not agree on the potential impact of this missense change (SIFT: "Tolerated"; PolyPhen-2: "Possibly Damaging"; Align-GVGD: "Class C0"). This variant has not been reported in the literature in individuals with CA5A-related conditions. This variant is not present in population databases (ExAC no frequency). This sequence change replaces aspartic acid with asparagine at codon 226 of the CA5A protein (p.Asp226Asn). The aspartic acid residue is highly conserved and there is a small physicochemical difference between aspartic acid and asparagine.

NM_001739.2(CA5A):c.676G>A (p.Asp226Asn)

Gene: CA5A (carbonic anhydrase 5A; minus strand). Cytogenetic location: 16q24.2.
Variant type: single nucleotide variant.
Coding change: c.676G>A on transcript NM_001739.2 (MANE Select); coding-DNA position 676, G replaced by A.
Protein change: p.Asp226Asn; replaces aspartic acid 226 with asparagine.
Molecular consequence: missense variant. On other transcripts: non-coding transcript variant (2).
Genome position (GRCh38, 1-based): chr16:87,891,897, C>T on the plus strand (G>A on the coding strand, the complement: CA5A is on the minus strand). VCF-style: chr16-87891897-C-T. GRCh37 (hg19) VCF-style: chr16-87925503-C-T.
Other names: c.676G>A, p.Asp226Asn (NM_001367225.1); short protein forms D226N.
Identifiers: ClinVar variation 835721 (VCV000835721.9), dbSNP rs1280675833, ClinGen allele CA397039941.